The following is an entry in ClinVar:

NM_001113378.2(FANCI):c.2781T>G (p.Ile927Met)

Gene: FANCI (FA complementation group I; plus strand). Cytogenetic location: 15q26.1.
Variant type: single nucleotide variant.
Coding change: c.2781T>G on transcript NM_001113378.2 (MANE Select); coding-DNA position 2781, T replaced by G.
Protein change: p.Ile927Met; replaces isoleucine 927 with methionine.
Molecular consequence: missense variant.
Genome position (GRCh38, 1-based): chr15:89,299,944, T>G. VCF-style: chr15-89299944-T-G. GRCh37 (hg19) VCF-style: chr15-89843175-T-G.
Other names: c.2502T>G, p.Ile834Met (NM_001376910.1); c.2601T>G, p.Ile867Met (NM_018193.3); c.2781T>G, p.Ile927Met (NM_001376911.1); short protein forms I927M, I867M, I834M.
Identifiers: ClinVar variation 408258 (VCV000408258.9), dbSNP rs771106622, ClinGen allele CA7723455.
Genomic context (GRCh38, chr15:89,299,944, plus strand): 5'-GTGCTTGGAGGGTTTACAGAAAATATTCAGTGCTGTGCAACAGTTCTATCAGCCCAAGAT[T>G]CAGCAGTTTCTCAGAGCTCTGGGTAAGCATTGCAGTATCAATAAATAGGCTTGATTTAGG-3'
Protein context (NP_001106849.1, residues 917-937): SAVQQFYQPK[Ile927Met]QQFLRALDVT

ClinVar aggregate classification (germline): Uncertain significance. Review status: criteria provided, multiple submitters, no conflicts (2 of 4 stars). 4 submissions from 4 submitters: Uncertain significance (4). Last evaluated 2025-11-05.

Conditions:
Inborn genetic diseases. Identifiers: MedGen C0950123, MeSH D030342.
Fanconi anemia (FA). Also called: Fanconi's anemia. Identifiers: Orphanet 84, MedGen C0015625, MeSH D005199, MONDO:0019391.
Fanconi anemia complementation group I (FANCI). Also called: FANCI-Related Fanconi Anemia. Identifiers: Orphanet 84, MedGen C1836861, MONDO:0012186, OMIM 609053.

Allele frequency attached by ClinVar (database versions not stated): gnomAD exomes below 0.00001 and 0.00001; ExAC 0.00002; TOPMed 0.00002; gnomAD 0.00003.
gnomAD v4.1: 10 of 1,613,982 alleles (0.00062%); highest among the groups gnomAD compares: Non-Finnish European, 0.00085%; no homozygotes.

Submissions (4):

Ambry Genetics
Classification: Uncertain significance for Inborn genetic diseases. Last evaluated: 2025-11-05. Review status: criteria provided, single submitter. Criteria: Ambry Variant Classification Scheme 2023. Collection method: clinical testing. Allele origin: germline.

Fulgent Genetics
Classification: Uncertain significance for Fanconi anemia complementation group I. Last evaluated: 2024-05-28. Review status: criteria provided, single submitter. Criteria: ACMG Guidelines, 2015. Collection method: clinical testing. Allele origin: germline.

Sema4
Classification: Uncertain significance for Fanconi anemia. Last evaluated: 2022-01-15. Review status: criteria provided, single submitter. Criteria: Sema4 Curation Guidelines. Collection method: curation. Allele origin: germline.
Comment: The FANCI c.2781T>G (p.I927M) variant has not been reported in the literature to our knowledge. It was observed in 3/113746 chromosomes of the Non-Finnish European subpopulation in the large and broad cohorts of the Genome Aggregation Database (PMID: 32461654). The variant has been reported in ClinVar (Variation ID 408258). In silico tools suggest the impact of the variant on protein function is benign, though these predictions have not been confirmed by functional studies. The evidence is insufficient to meet ACMG/AMP criteria for classifying the variant as benign or pathogenic. Thus, the clinical significance of this variant is currently uncertain.

Labcorp Genetics (formerly Invitae), Labcorp
Classification: Uncertain significance for Fanconi anemia. Last evaluated: 2021-08-31. Review status: criteria provided, single submitter. Criteria: Invitae Variant Classification Sherloc (09022015). Collection method: clinical testing. Allele origin: germline.
Comment: This sequence change replaces isoleucine with methionine at codon 927 of the FANCI protein (p.Ile927Met). The isoleucine residue is weakly conserved and there is a small physicochemical difference between isoleucine and methionine. This variant is present in population databases (rs771106622, ExAC 0.004%). This variant has not been reported in the literature in individuals affected with FANCI-related conditions. ClinVar contains an entry for this variant (Variation ID: 408258). Algorithms developed to predict the effect of missense changes on protein structure and function output the following: SIFT: "Tolerated"; PolyPhen-2: "Benign"; Align-GVGD: "Class C0". The methionine amino acid residue is found in multiple mammalian species, which suggests that this missense change does not adversely affect protein function. In summary, the available evidence is currently insufficient to determine the role of this variant in disease. Therefore, it has been classified as a Variant of Uncertain Significance.